The following is an entry in ClinVar:

ClinVar aggregate classification (germline): Uncertain significance (1 of 4 stars; one submission).

Submission:

Ambry Genetics
Classification: Uncertain significance. Last evaluated: 2024-06-16. Review status: criteria provided, single submitter. Criteria: Ambry Variant Classification Scheme 2023. Collection method: clinical testing. Allele origin: germline.
Comment: The p.K652Q variant (also known as c.1954A>C), located in coding exon 9 of the PALLD gene, results from an A to C substitution at nucleotide position 1954. The lysine at codon 652 is replaced by glutamine, an amino acid with similar properties. This amino acid position is conserved. In addition, the in silico prediction for this alteration is inconclusive. Based on the available evidence, the clinical significance of this variant remains unclear.

NM_001166108.2(PALLD):c.1954A>C (p.Lys652Gln)

Gene: PALLD (palladin, cytoskeletal associated protein; plus strand). Cytogenetic location: 4q32.3.
Variant type: single nucleotide variant.
Coding change: c.1954A>C on transcript NM_001166108.2 (MANE Select); coding-DNA position 1954, A replaced by C.
Protein change: p.Lys652Gln; replaces lysine 652 with glutamine.
Molecular consequence: missense variant.
Genome position (GRCh38, 1-based): chr4:168,711,913, A>C. VCF-style: chr4-168711913-A-C. GRCh37 (hg19) VCF-style: chr4-169633064-A-C.
Other names: c.808A>C, p.Lys270Gln (NM_001166109.2); c.1954A>C, p.Lys652Gln (NM_016081.4); short protein forms K270Q, K652Q.
Identifiers: ClinVar variation 3304120 (VCV003304120.1).